The following is an entry in ClinVar:

NM_002633.3(PGM1):c.1145-241GA[4]

Gene: PGM1 (phosphoglucomutase 1; plus strand). Cytogenetic location: 1p31.3.
Variant type: Microsatellite.
Coding change: c.1145-241GA[4] on transcript NM_002633.3 (MANE Select); four copies in a row of the 2-base unit GA starting at c.1145-241.
Molecular consequence: intron variant.
Genome position: GRCh38 VCF-style: chr1-63648275-GGA-G. GRCh37 (hg19) VCF-style: chr1-64113946-GGA-G.
Other names: c.1145-232_1145-231delAG (NM_002633.2); c.554-241GA[4] (NM_001172819.2); c.1199-241GA[4] (NM_001172818.1).
Identifiers: ClinVar variation 4892988 (VCV004892988.2).

ClinVar aggregate classification (germline): Likely benign. Review status: criteria provided, multiple submitters, no conflicts (2 of 4 stars). 2 submissions from 2 submitters: Likely benign (2). Last evaluated 2025-10-08.

Conditions:
PGM1-related disorder. Also called: PGM1-related condition; PGM1-related disorders.

Submissions (2):

PreventionGenetics, part of Exact Sciences
Classification: Likely benign for PGM1-related condition. Last evaluated: 2025-10-08. Review status: criteria provided, single submitter. Criteria: ACMG Guidelines, 2015. Collection method: clinical testing. Allele origin: germline.
Comment: This variant is classified as likely benign based on ACMG/AMP sequence variant interpretation guidelines (Richards et al. 2015 PMID: 25741868, with internal and published modifications).

Blueprint Genetics
Classification: Likely benign. Last evaluated: 2024-10-14. Review status: criteria provided, single submitter. Criteria: ACMG Guidelines, 2015. Collection method: clinical testing. Allele origin: germline.